The following is an entry in ClinVar:

ClinVar aggregate classification (germline): Likely pathogenic (0 of 4 stars; one submission).

Conditions:
TBC1D2B-related disorder. Also called: TBC1D2B-related condition.

gnomAD v4.1: 2 of 1,605,642 alleles (0.00012%); highest among the groups gnomAD compares: Non-Finnish European, 0.00017%; no homozygotes.

Submission:

PreventionGenetics, part of Exact Sciences
Classification: Likely pathogenic for TBC1D2B-related condition. Last evaluated: 2024-05-29. Review status: no assertion criteria provided. Collection method: clinical testing. Allele origin: germline.
Comment: The TBC1D2B c.2353C>T variant is predicted to result in premature protein termination (p.Arg785*). To our knowledge, this variant has not been reported in the literature or in a large population database, indicating this variant is rare. Protein-truncating variants upstream and downstream of this variant have been reported in the literature and also observed at PreventionGenetics (internal database). Therefore, this variant is interpreted as likely pathogenic.

NM_144572.2(TBC1D2B):c.2353C>T (p.Arg785Ter)

Gene: TBC1D2B (TBC1 domain family member 2B; minus strand). Cytogenetic location: 15q25.1.
Variant type: single nucleotide variant.
Coding change: c.2353C>T on transcript NM_144572.2 (MANE Select); coding-DNA position 2353, C replaced by T.
Protein change: p.Arg785Ter; replaces arginine 785 with a stop codon.
Molecular consequence: nonsense.
Genome position (GRCh38, 1-based): chr15:78,009,032, G>A on the plus strand (C>T on the coding strand, the complement: TBC1D2B is on the minus strand). VCF-style: chr15-78009032-G-A. GRCh37 (hg19) VCF-style: chr15-78301374-G-A.
Other names: c.2353C>T, p.Arg785Ter (NM_001387142.1, NM_001387144.1, NM_015079.6); c.2350C>T, p.Arg784Ter (NM_001387143.1); c.2017C>T, p.Arg673Ter (NM_001387145.1, NM_001387146.1, NM_001387147.1 and 1 more transcripts); c.1903C>T, p.Arg635Ter (NM_001387149.1); short protein forms R635*, R673*, R784*, R785*.
Identifiers: ClinVar variation 3058247 (VCV003058247.2), dbSNP rs1470259761, ClinGen allele CA393546474.